The following is an entry in ClinVar:

ClinVar aggregate classification (germline): Likely benign. Review status: criteria provided, multiple submitters, no conflicts (2 of 4 stars). 2 submissions from 2 submitters: Likely benign (2). Last evaluated 2018-03-20.

Conditions:
Maturity-onset diabetes of the young (MODY). Also called: Maturity onset diabetes mellitus in young. Identifiers: Orphanet 552, MedGen C0342276, MONDO:0018911, HP:0004904.

Allele frequency attached by ClinVar (database versions not stated): 1000 Genomes Project 30x 0.00219; 1000 Genomes Project 0.00160; gnomAD 0.00200 and 0.00186; TOPMed 0.00224.

Submissions (2):

GeneDx
Classification: Likely benign. Last evaluated: 2018-03-20. Review status: criteria provided, single submitter. Criteria: GeneDx Variant Classification (06012015). Collection method: clinical testing. Allele origin: germline. Affected: yes.
Comment: This variant is considered likely benign or benign based on one or more of the following criteria: it is a conservative change, it occurs at a poorly conserved position in the protein, it is predicted to be benign by multiple in silico algorithms, and/or has population frequency not consistent with disease.

Clinical Genomics, Uppaluri K&H Personalized Medicine Clinic
Classification: Likely benign for Maturity-onset diabetes of the young. Review status: criteria provided, single submitter. Criteria: K & H Uppaluri Personalized Medicine Clinic Variant Classification & Assertion Criteria_Updated V.1. Collection method: research. Allele origin: unknown. Inheritance: Autosomal dominant inheritance.
Comment: Mutations in HNF1A gene can predispose to MODY3. It is associated with both micro and macrovascular complications of diabetes, especially cardiovascular complications. Associated with glucosuria. May respond well to sulfonylureas. However, more evidence is required to confer the association of this particular variant rs77774709 with MODY3.

Literature cited by the submitters: PubMed 31517624 (cited by Clinical Genomics, Uppaluri K&H Personalized Medicine Clinic); PubMed 32395877 (cited by Clinical Genomics, Uppaluri K&H Personalized Medicine Clinic); PubMed 35328643 (cited by Clinical Genomics, Uppaluri K&H Personalized Medicine Clinic); PubMed 35673428 (cited by Clinical Genomics, Uppaluri K&H Personalized Medicine Clinic).

NM_000545.5(HNF1A):c.-400C>T

Gene: HNF1A (HNF1 homeobox A; plus strand). Cytogenetic location: 12q24.31.
Variant type: single nucleotide variant.
Coding change: c.-400C>T on transcript NM_000545.5; 400 bases upstream of the start codon, C replaced by T.
Genome position (GRCh38, 1-based): chr12:120,978,369, C>T. VCF-style: chr12-120978369-C-T. GRCh37 (hg19) VCF-style: chr12-121416172-C-T.
Identifiers: ClinVar variation 675908 (VCV000675908.4), dbSNP rs77774709, ClinGen allele CA244520048.